The following is an entry in ClinVar:

NM_000059.4(BRCA2):c.1481T>C (p.Val494Ala)

Gene: BRCA2 (BRCA2 DNA repair associated; plus strand). Cytogenetic location: 13q13.1.
Variant type: single nucleotide variant.
Coding change: c.1481T>C on transcript NM_000059.4 (MANE Select); coding-DNA position 1481, T replaced by C.
Protein change: p.Val494Ala; replaces valine 494 with alanine.
Molecular consequence: missense variant.
Genome position (GRCh38, 1-based): chr13:32,332,959, T>C. VCF-style: chr13-32332959-T-C. GRCh37 (hg19) VCF-style: chr13-32907096-T-C.
Other names: short protein forms V494A.
Identifiers: ClinVar variation 185478 (VCV000185478.15), dbSNP rs786202205, ClinGen allele CA012185.

ClinVar aggregate classification (germline): Conflicting classifications of pathogenicity. Review status: criteria provided, conflicting classifications (1 of 4 stars). 5 submissions from 5 submitters: Uncertain significance (4); Likely benign (1). Last evaluated 2025-04-24.

Conditions:
Hereditary cancer-predisposing syndrome. Also called: Hereditary neoplastic syndrome; Neoplastic Syndromes, Hereditary; Tumor predisposition; Hereditary Cancer Syndrome. Identifiers: Orphanet 140162, MedGen C0027672, MeSH D009386, MONDO:0015356.
Hereditary breast ovarian cancer syndrome. Also called: Hereditary breast and ovarian cancer syndrome (HBOC); Breast and ovarian cancer; Hereditary breast and/or ovarian cancer syndrome; BRCA1- and BRCA2-Associated Hereditary Breast and Ovarian Cancer; Hereditary breast and ovarian cancer syndrome; Hereditary breast and ovarian cancer. Identifiers: Orphanet 145, MedGen C0677776, MeSH D061325, MONDO:0003582. Disease mechanism: loss of function.

Submissions (5):

Labcorp Genetics (formerly Invitae), Labcorp
Classification: Uncertain significance for Hereditary breast ovarian cancer syndrome. Last evaluated: 2025-04-24. Review status: criteria provided, single submitter. Criteria: Invitae Variant Classification Sherloc (09022015). Collection method: clinical testing. Allele origin: germline.
Comment: This sequence change replaces valine, which is neutral and non-polar, with alanine, which is neutral and non-polar, at codon 494 of the BRCA2 protein (p.Val494Ala). This variant is not present in population databases (gnomAD no frequency). This variant has not been reported in the literature in individuals affected with BRCA2-related conditions. ClinVar contains an entry for this variant (Variation ID: 185478). Invitae Evidence Modeling of protein sequence and biophysical properties (such as structural, functional, and spatial information, amino acid conservation, physicochemical variation, residue mobility, and thermodynamic stability) indicates that this missense variant is not expected to disrupt BRCA2 protein function with a negative predictive value of 95%. In summary, the available evidence is currently insufficient to determine the role of this variant in disease. Therefore, it has been classified as a Variant of Uncertain Significance.

Ambry Genetics
Classification: Uncertain significance for Hereditary cancer-predisposing syndrome. Last evaluated: 2023-03-23. Review status: criteria provided, single submitter. Criteria: Ambry Variant Classification Scheme 2023. Collection method: clinical testing. Allele origin: germline.
Comment: The p.V494A variant (also known as c.1481T>C), located in coding exon 9 of the BRCA2 gene, results from a T to C substitution at nucleotide position 1481. The valine at codon 494 is replaced by alanine, an amino acid with similar properties. This alteration was identified in a cohort of 3984 Chinese breast cancer patients (Yao L et al. J Hum Genet, 2022 Nov;67:639-642). This amino acid position is poorly conserved in available vertebrate species. In addition, this alteration is predicted to be tolerated by in silico analysis. Since supporting evidence is limited at this time, the clinical significance of this alteration remains unclear.

University of Washington Department of Laboratory Medicine, University of Washington
Classification: Likely benign for Hereditary cancer-predisposing syndrome. Last evaluated: 2023-03-23. Review status: criteria provided, single submitter. Criteria: Dines et al. (Genet Med. 2020). Collection method: curation. Allele origin: germline.
Comment: Missense variant in a coldspot region where missense variants are very unlikely to be pathogenic (PMID:31911673).

BRCA2 exon 10 coldspot. Reclassification based on statistical prior probability.

GeneDx
Classification: Uncertain significance. Last evaluated: 2022-05-24. Review status: criteria provided, single submitter. Criteria: GeneDx Variant Classification Process June 2021. Collection method: clinical testing. Allele origin: germline. Affected: yes.
Comment: Not observed at significant frequency in large population cohorts (gnomAD); In silico analysis supports that this missense variant does not alter protein structure/function; Observed in an individual with breast cancer (Liu 2021); Also known as 1709T>C; This variant is associated with the following publications: (PMID: 34686509)

Color Diagnostics, LLC DBA Color Health
Classification: Uncertain significance for Hereditary cancer-predisposing syndrome. Last evaluated: 2019-05-23. Review status: criteria provided, single submitter. Criteria: ACMG Guidelines, 2015. Collection method: clinical testing. Allele origin: germline.

Literature cited by the submitters: PubMed 35864222 (cited by Ambry Genetics).